The following is an entry in ClinVar:

ClinVar aggregate classification (germline): Uncertain significance (1 of 4 stars; one submission).

Submission:

GeneDx
Classification: Uncertain significance. Last evaluated: 2022-12-23. Review status: criteria provided, single submitter. Criteria: GeneDx Variant Classification Process June 2021. Collection method: clinical testing. Allele origin: germline. Affected: yes.
Comment: Not observed at significant frequency in large population cohorts (gnomAD); Missense variant in a gene in which most reported pathogenic variants are truncating/loss of function; Has not been previously published as pathogenic or benign to our knowledge

NM_001267550.2(TTN):c.66470C>A (p.Pro22157His)

Genes: TTN (titin; minus strand), TTN-AS1 (TTN antisense RNA 1; plus strand). Cytogenetic location: 2q31.2.
Variant type: single nucleotide variant.
Coding change: c.66470C>A on transcript NM_001267550.2 (MANE Select); coding-DNA position 66470, C replaced by A.
Protein change: p.Pro22157His; replaces proline 22157 with histidine.
Molecular consequence: missense variant.
Genome position (GRCh38, 1-based): chr2:178,581,798, G>T on the plus strand (C>A on the coding strand, the complement: TTN is on the minus strand). VCF-style: chr2-178581798-G-T. GRCh37 (hg19) VCF-style: chr2-179446525-G-T.
Other names: c.61547C>A, p.Pro20516His (NM_001256850.1); c.39275C>A, p.Pro13092His (NM_003319.4); c.58766C>A, p.Pro19589His (NM_133378.4); c.39650C>A, p.Pro13217His (NM_133432.3); c.39851C>A, p.Pro13284His (NM_133437.4); short protein forms P13092H, P13217H, P13284H, P19589H, P20516H, P22157H.
Identifiers: ClinVar variation 2506646 (VCV002506646.1), dbSNP rs2468998556, ClinGen allele CA349429057.